The following is an entry in ClinVar:

NM_001374736.1(DST):c.21663G>A (p.Ala7221=)

Gene: DST (dystonin; minus strand). Cytogenetic location: 6p12.1.
Variant type: single nucleotide variant.
Coding change: c.21663G>A on transcript NM_001374736.1 (MANE Select); coding-DNA position 21663, G replaced by A.
Protein change: p.Ala7221=; no amino-acid change (alanine 7221 retained).
Molecular consequence: synonymous variant.
Genome position (GRCh38, 1-based): chr6:56,477,357, C>T on the plus strand (G>A on the coding strand, the complement: DST is on the minus strand). VCF-style: chr6-56477357-C-T. GRCh37 (hg19) VCF-style: chr6-56342155-C-T.
Other names: c.21690G>A, p.Ala7230= (NM_001374734.1); c.14772G>A, p.Ala4924= (NM_001386100.1, NM_183380.4); c.13794G>A, p.Ala4598= (NM_015548.5); c.15306G>A, p.Ala5102= (NM_001144769.5); c.14892G>A, p.Ala4964= (NM_001144770.2); c.21663G>A, p.Ala7221= (NM_001374722.1); c.20703G>A, p.Ala6901= (NM_001374729.1); c.14445G>A, p.Ala4815= (NM_001374730.1).
Identifiers: ClinVar variation 2656652 (VCV002656652.24), dbSNP rs763733205, ClinGen allele CA3866416.

ClinVar aggregate classification (germline): Likely benign (1 of 4 stars; one submission).

Allele frequency attached by ClinVar (database versions not stated): ExAC 0.00001; gnomAD 0.00003; TOPMed 0.00003; gnomAD exomes 0.00004.
gnomAD v4.1: 72 of 1,613,744 alleles (0.0045%); highest among the groups gnomAD compares: Non-Finnish European, 0.0054%; no homozygotes.

Submission:

CeGaT Center for Human Genetics Tuebingen
Classification: Likely benign. Last evaluated: 2023-03-01. Review status: criteria provided, single submitter. Criteria: CeGaT Center For Human Genetics Tuebingen Variant Classification Criteria Version 2. Collection method: clinical testing. Allele origin: germline. Affected: yes. Observed: 2 variant alleles.
Comment: DST: BP4, BP7